The following is an entry in ClinVar:

ClinVar aggregate classification (germline): Likely pathogenic. Review status: criteria provided, single submitter (1 of 4 stars). 2 submissions from 2 submitters: Likely pathogenic (1). 1 of the submissions does not count toward it. Last evaluated 2025-09-15.

Conditions:
Ehlers-Danlos syndrome, type 4 (EDSVASC). Also called: Ehlers-Danlos syndrome vascular type; Ehlers Danlos syndrome, ecchymotic type; Ehlers Danlos syndrome, arterial type; Ehlers Danlos syndrome, Sack-Barabas type; Ehlers-Danlos Syndrome Type IV. Identifiers: Orphanet 286, MedGen C0268338, MONDO:0017314, OMIM 130050.

Submissions (2):

Labcorp Genetics (formerly Invitae), Labcorp
Classification: Likely pathogenic for Ehlers-Danlos syndrome, type 4. Last evaluated: 2025-09-15. Review status: criteria provided, single submitter. Criteria: Invitae Variant Classification Sherloc (09022015). Collection method: clinical testing. Allele origin: germline.
Comment: This sequence change replaces glycine, which is neutral and non-polar, with arginine, which is basic and polar, at codon 303 of the COL3A1 protein (p.Gly303Arg). This variant is not present in population databases (gnomAD no frequency). This missense change has been observed in individual(s) with aortic aneurysm and dissection (PMID: 8514866). This variant is also known as Gly136Arg. ClinVar contains an entry for this variant (Variation ID: 101131). Invitae Evidence Modeling of protein sequence and biophysical properties (such as structural, functional, and spatial information, amino acid conservation, physicochemical variation, residue mobility, and thermodynamic stability) indicates that this missense variant is expected to disrupt COL3A1 protein function with a positive predictive value of 95%. This variant disrupts the triple helix domain of COL3A1. Glycine residues within the Gly-Xaa-Yaa repeats of the triple helix domain are required for the structure and stability of fibrillar collagens (PMID: 7695699, 8218237, 19344236). In COL3A1, variants that affect these glycine residues are significantly enriched in individuals with disease (PMID: 24922459, 25758994) compared to the general population (ExAC). In summary, the currently available evidence indicates that the variant is pathogenic, but additional data are needed to prove that conclusively. Therefore, this variant has been classified as Likely Pathogenic.

Collagen Diagnostic Laboratory, University of Washington
Classification: Pathogenic for Ehlers-Danlos syndrome, type 4. Review status: no assertion criteria provided. Collection method: clinical testing. Allele origin: germline. Affected: yes. Not counted in ClinVar's aggregate classification.

Literature cited by the submitters: PubMed 8514866 (cited by Labcorp Genetics (formerly Invitae), Labcorp and Collagen Diagnostic Laboratory, University of Washington); PubMed 7695699 (cited by Labcorp Genetics (formerly Invitae), Labcorp); PubMed 8218237 (cited by Labcorp Genetics (formerly Invitae), Labcorp); PubMed 19344236 (cited by Labcorp Genetics (formerly Invitae), Labcorp); PubMed 24922459 (cited by Labcorp Genetics (formerly Invitae), Labcorp); PubMed 25758994 (cited by Labcorp Genetics (formerly Invitae), Labcorp).

NM_000090.4(COL3A1):c.907G>A (p.Gly303Arg)

Gene: COL3A1 (collagen type III alpha 1 chain; plus strand). Cytogenetic location: 2q32.2.
Variant type: single nucleotide variant.
Coding change: c.907G>A on transcript NM_000090.4 (MANE Select); coding-DNA position 907, G replaced by A.
Protein change: p.Gly303Arg; replaces glycine 303 with arginine.
Molecular consequence: missense variant.
Genome position (GRCh38, 1-based): chr2:188,991,678, G>A. VCF-style: chr2-188991678-G-A. GRCh37 (hg19) VCF-style: chr2-189856404-G-A.
Identifiers: ClinVar variation 101131 (VCV000101131.3), dbSNP rs121912919, ClinGen allele CA007568.